The following is an entry in ClinVar:

NM_004380.3(CREBBP):c.5865G>A (p.Ala1955=)

Gene: CREBBP (CREB binding lysine acetyltransferase; minus strand). Cytogenetic location: 16p13.3.
Variant type: single nucleotide variant.
Coding change: c.5865G>A on transcript NM_004380.3 (MANE Select); coding-DNA position 5865, G replaced by A.
Protein change: p.Ala1955=; no amino-acid change (alanine 1955 retained).
Molecular consequence: synonymous variant.
Genome position (GRCh38, 1-based): chr16:3,729,182, C>T on the plus strand (G>A on the coding strand, the complement: CREBBP is on the minus strand). VCF-style: chr16-3729182-C-T. GRCh37 (hg19) VCF-style: chr16-3779183-C-T.
Other names: c.5751G>A, p.Ala1917= (NM_001079846.1).
Identifiers: ClinVar variation 588606 (VCV000588606.38), dbSNP rs554810606, ClinGen allele CA7869236.

ClinVar aggregate classification (germline): Benign/Likely benign. Review status: criteria provided, multiple submitters, no conflicts (2 of 4 stars). 5 submissions from 5 submitters: Benign (2); Likely benign (3). Last evaluated 2026-08-01.

Conditions:
Rubinstein-Taybi syndrome (RSTS). Identifiers: Orphanet 783, MedGen C0035934, MONDO:0019188.
Inborn genetic diseases. Identifiers: MedGen C0950123, MeSH D030342.

Allele frequency attached by ClinVar (database versions not stated): ExAC 0.00012; 1000 Genomes Project 0.00020; 1000 Genomes Project 30x 0.00031; TOPMed 0.00039; gnomAD 0.00042 and 0.00044; gnomAD exomes 0.00047.
gnomAD v4.1: 870 of 1,529,464 alleles (0.057%); highest among the groups gnomAD compares: Non-Finnish European, 0.066%; 1 homozygote.

Submissions (5):

CeGaT Center for Human Genetics Tuebingen
Classification: Likely benign. Last evaluated: 2026-08-01. Review status: criteria provided, single submitter. Criteria: CeGaT Center For Human Genetics Tuebingen Variant Classification Criteria Version 2. Collection method: clinical testing. Allele origin: germline. Affected: yes. Observed: 16 variant alleles.
Comment: CREBBP: BP4, BP7

Labcorp Genetics (formerly Invitae), Labcorp
Classification: Benign for Rubinstein-Taybi syndrome. Last evaluated: 2026-01-21. Review status: criteria provided, single submitter. Criteria: Invitae Variant Classification Sherloc (09022015). Collection method: clinical testing. Allele origin: germline.

Blueprint Genetics
Classification: Likely benign. Last evaluated: 2024-11-25. Review status: criteria provided, single submitter. Criteria: ACMG Guidelines, 2015. Collection method: clinical testing. Allele origin: germline.

GeneDx
Classification: Benign. Last evaluated: 2021-01-26. Review status: criteria provided, single submitter. Criteria: GeneDx Variant Classification Process June 2021. Collection method: clinical testing. Allele origin: germline. Affected: yes.

Ambry Genetics
Classification: Likely benign for Inborn genetic diseases. Last evaluated: 2016-07-21. Review status: criteria provided, single submitter. Criteria: Ambry Variant Classification Scheme 2023. Collection method: clinical testing. Allele origin: germline.